The following is an entry in ClinVar:

NM_001270508.2(TNFAIP3):c.227C>T (p.Thr76Ile)

Gene: TNFAIP3 (TNF alpha induced protein 3; plus strand). Cytogenetic location: 6q23.3.
Variant type: single nucleotide variant.
Coding change: c.227C>T on transcript NM_001270508.2 (MANE Select); coding-DNA position 227, C replaced by T.
Protein change: p.Thr76Ile; replaces threonine 76 with isoleucine.
Molecular consequence: missense variant.
Genome position (GRCh38, 1-based): chr6:137,871,454, C>T. VCF-style: chr6-137871454-C-T. GRCh37 (hg19) VCF-style: chr6-138192591-C-T.
Other names: c.227C>T, p.Thr76Ile (NM_001270507.2, NM_006290.4); short protein forms T76I.
Identifiers: ClinVar variation 1031619 (VCV001031619.6), dbSNP rs1776060477, ClinGen allele CA365780674.
Genomic context (GRCh38, chr6:137,871,454, plus strand): 5'-TTTGTCCTCAGTTTCGGGAGATCATCCACAAAGCCCTCATCGACAGAAACATCCAGGCCA[C>T]CCTGGAAAGCCAGAAGAAACTCAACTGGTGTCGAGAAGTCCGGAAGCTTGTGGCGCTGAA-3'
Protein context (NP_001257437.1, residues 66-86): KALIDRNIQA[Thr76Ile]LESQKKLNWC

ClinVar aggregate classification (germline): Uncertain significance. Review status: criteria provided, multiple submitters, no conflicts (2 of 4 stars). 4 submissions from 4 submitters: Uncertain significance (4). Last evaluated 2023-12-14.

Conditions:
Autoinflammatory syndrome, familial, Behcet-like. Identifiers: MedGen CN234876, MONDO:0031384.

Submissions (4):

Blueprint Genetics
Classification: Uncertain significance. Last evaluated: 2023-12-14. Review status: criteria provided, single submitter. Criteria: ACMG Guidelines, 2015. Collection method: clinical testing. Allele origin: germline.

Labcorp Genetics (formerly Invitae), Labcorp
Classification: Uncertain significance. Last evaluated: 2023-09-08. Review status: criteria provided, single submitter. Criteria: Invitae Variant Classification Sherloc (09022015). Collection method: clinical testing. Allele origin: germline.
Comment: ClinVar contains an entry for this variant (Variation ID: 1031619). Advanced modeling of protein sequence and biophysical properties (such as structural, functional, and spatial information, amino acid conservation, physicochemical variation, residue mobility, and thermodynamic stability) performed at Invitae indicates that this missense variant is not expected to disrupt TNFAIP3 protein function. In summary, the available evidence is currently insufficient to determine the role of this variant in disease. Therefore, it has been classified as a Variant of Uncertain Significance. This variant has not been reported in the literature in individuals affected with TNFAIP3-related conditions. This sequence change replaces threonine, which is neutral and polar, with isoleucine, which is neutral and non-polar, at codon 76 of the TNFAIP3 protein (p.Thr76Ile). This variant is not present in population databases (gnomAD no frequency).

Baylor Genetics
Classification: Uncertain significance for Autoinflammatory syndrome, familial, Behcet-like 1. Last evaluated: 2018-06-30. Review status: criteria provided, single submitter. Criteria: ACMG Guidelines, 2015. Collection method: clinical testing. Allele origin: paternal. Affected: yes.
Comment: This variant was determined to be of uncertain significance according to ACMG Guidelines, 2015 [PMID:25741868].

Breakthrough Genomics
Classification: Uncertain significance. Review status: criteria provided, single submitter. Criteria: ACMG Guidelines, 2015. Collection method: not provided. Allele origin: germline. Inheritance: Autosomal dominant inheritance. Affected: yes.